The following is an entry in ClinVar:

ClinVar aggregate classification (germline): Uncertain significance. Review status: criteria provided, multiple submitters, no conflicts (2 of 4 stars). 2 submissions from 2 submitters: Uncertain significance (2). Last evaluated 2025-04-24.

Conditions:
Cardiovascular phenotype. Identifiers: MedGen CN230736.
Distal myopathy with posterior leg and anterior hand involvement. Also called: WILLIAMS DISTAL MYOPATHY. Identifiers: Orphanet 63273, MedGen C3279722, MONDO:0013550, OMIM 614065.
Myofibrillar myopathy 5. Also called: Filaminopathy (type); FILAMINOPATHY, AUTOSOMAL DOMINANT. Identifiers: Orphanet 171445, MedGen C1836050, MONDO:0012289, OMIM 609524.
Hypertrophic cardiomyopathy 26. Also called: Cardiomyopathy, familial hypertrophic, 26. Identifiers: Orphanet 75249, MedGen C4310749, MONDO:0014883, OMIM 617047.

Allele frequency attached by ClinVar (database versions not stated): gnomAD exomes below 0.00001; TOPMed below 0.00001.
gnomAD v4.1: 3 of 1,611,686 alleles (0.00019%); highest among the groups gnomAD compares: Non-Finnish European, 0.00025%; no homozygotes.

Submissions (2):

Labcorp Genetics (formerly Invitae), Labcorp
Classification: Uncertain significance for Distal myopathy with posterior leg and anterior hand involvement; Myofibrillar myopathy 5; Hypertrophic cardiomyopathy 26. Last evaluated: 2025-04-24. Review status: criteria provided, single submitter. Criteria: Invitae Variant Classification Sherloc (09022015). Collection method: clinical testing. Allele origin: germline.
Comment: This sequence change replaces phenylalanine, which is neutral and non-polar, with serine, which is neutral and polar, at codon 2222 of the FLNC protein (p.Phe2222Ser). This variant is not present in population databases (gnomAD no frequency). This variant has not been reported in the literature in individuals affected with FLNC-related conditions. ClinVar contains an entry for this variant (Variation ID: 472140). An algorithm developed to predict the effect of missense changes on protein structure and function (PolyPhen-2) suggests that this variant is likely to be tolerated. In summary, the available evidence is currently insufficient to determine the role of this variant in disease. Therefore, it has been classified as a Variant of Uncertain Significance.

Ambry Genetics
Classification: Uncertain significance for Cardiovascular phenotype. Last evaluated: 2022-06-14. Review status: criteria provided, single submitter. Criteria: Ambry Variant Classification Scheme 2023. Collection method: clinical testing. Allele origin: germline.
Comment: The p.F2222S variant (also known as c.6665T>C), located in coding exon 40 of the FLNC gene, results from a T to C substitution at nucleotide position 6665. The phenylalanine at codon 2222 is replaced by serine, an amino acid with highly dissimilar properties. This amino acid position is conserved. In addition, this alteration is predicted to be deleterious by in silico analysis. Since supporting evidence is limited at this time, the clinical significance of this alteration remains unclear.

NM_001458.5(FLNC):c.6665T>C (p.Phe2222Ser)

Genes: FLNC-AS1 (FLNC antisense RNA 1; minus strand), FLNC (filamin C; plus strand). Cytogenetic location: 7q32.1.
Variant type: single nucleotide variant.
Coding change: c.6665T>C on transcript NM_001458.5 (MANE Select); coding-DNA position 6665, T replaced by C.
Protein change: p.Phe2222Ser; replaces phenylalanine 2222 with serine.
Molecular consequence: missense variant.
Genome position (GRCh38, 1-based): chr7:128,854,154, T>C. VCF-style: chr7-128854154-T-C. GRCh37 (hg19) VCF-style: chr7-128494208-T-C.
Other names: c.6566T>C, p.Phe2189Ser (NM_001127487.2); short protein forms F2222S, F2189S.
Identifiers: ClinVar variation 472140 (VCV000472140.13), dbSNP rs1554401281, ClinGen allele CA369213058.
Genomic context (GRCh38, chr7:128,854,154, plus strand): 5'-AGCGCGAGGTGCGGGTGGAGGAGTCCACCCAGGTCGGCGGGGACCCCTTCCCTGCTGTGT[T>C]TGGGGACTTCCTGGGCCGGGAGCGCCTGGGATCCTTCGGCAGCATCACCCGGCAGCAGGA-3'
Protein context (NP_001449.3, residues 2212-2232): QVGGDPFPAV[Phe2222Ser]GDFLGRERLG